The following is an entry in ClinVar:

ClinVar aggregate classification (germline): Likely pathogenic (1 of 4 stars; one submission).

Conditions:
Dilated cardiomyopathy 1G (CMD1G). Identifiers: Orphanet 154, MedGen C1858763, MONDO:0011400, OMIM 604145.

Submission:

Petrovsky National Research Centre of Surgery, The Federal Agency for Scientific Organizations
Classification: Likely pathogenic for Dilated cardiomyopathy 1G. Last evaluated: 2024-10-21. Review status: criteria provided, single submitter. Criteria: ACMG Guidelines, 2015. Collection method: clinical testing. Allele origin: germline. Inheritance: Autosomal dominant inheritance. Affected: yes. Observed: 1 heterozygote.
Comment: This variant is absent in databases (gnomAD, LOVD) and predicted to introduce a premature translation termination codon. According to NMD Esc Predictor and AutoPVS1, mRNA carrying this variant, will be processed through nonsense-mediated decay mechanism, leading to haploinsufficiency. For these reasons, this variant has been classified as Likely Pathogenic.

NM_001267550.2(TTN):c.69261G>A (p.Trp23087Ter)

Genes: TTN (titin; minus strand), TTN-AS1 (TTN antisense RNA 1; plus strand). Cytogenetic location: 2q31.2.
Variant type: single nucleotide variant.
Coding change: c.69261G>A on transcript NM_001267550.2 (MANE Select); coding-DNA position 69261, G replaced by A.
Protein change: p.Trp23087Ter; replaces tryptophan 23087 with a stop codon.
Molecular consequence: nonsense.
Genome position (GRCh38, 1-based): chr2:178,577,074, C>T on the plus strand (G>A on the coding strand, the complement: TTN is on the minus strand). VCF-style: chr2-178577074-C-T. GRCh37 (hg19) VCF-style: chr2-179441801-C-T.
Other names: p.Trp23087*; c.64338G>A, p.Trp21446Ter (NM_001256850.1); c.42066G>A, p.Trp14022Ter (NM_003319.4); c.61557G>A, p.Trp20519Ter (NM_133378.4); c.42441G>A, p.Trp14147Ter (NM_133432.3); c.42642G>A, p.Trp14214Ter (NM_133437.4); short protein forms W14022*, W14147*, W14214*, W20519*, W21446*, W23087*.
Identifiers: ClinVar variation 3602763 (VCV003602763.2).
Genomic context (GRCh38, chr2:178,577,074, plus strand): 5'-TCCTTGGATAAGTTTGGTTGCCACATGCCTGCAAGACTGAATATCTTCAGAAACCACTGT[C>T]CACAAAAGTCGGCTGGTTTCTCTCTTTTCAAGTATATAGGACTTAATTGGTGAGCCGCCA-3'